The following is an entry in ClinVar:

NM_001374736.1(DST):c.2951G>T (p.Arg984Leu)

Gene: DST (dystonin; minus strand). Cytogenetic location: 6p12.1.
Variant type: single nucleotide variant.
Coding change: c.2951G>T on transcript NM_001374736.1 (MANE Select); coding-DNA position 2951, G replaced by T.
Protein change: p.Arg984Leu; replaces arginine 984 with leucine.
Molecular consequence: missense variant.
Genome position (GRCh38, 1-based): chr6:56,639,272, C>A on the plus strand (G>T on the coding strand, the complement: DST is on the minus strand). VCF-style: chr6-56639272-C-A. GRCh37 (hg19) VCF-style: chr6-56504070-C-A.
Other names: c.2852G>T, p.Arg951Leu (NM_001144769.5); c.2438G>T, p.Arg813Leu (NM_001144770.2); c.2951G>T, p.Arg984Leu (NM_001374722.1); c.2318G>T, p.Arg773Leu (NM_001374729.1, NM_001374730.1, NM_001386100.1 and 1 more transcripts); c.2978G>T, p.Arg993Leu (NM_001374734.1); c.1340G>T, p.Arg447Leu (NM_001723.7, NM_015548.5); short protein forms R773L, R951L, R447L, R984L, R993L, R813L.
Identifiers: ClinVar variation 942229 (VCV000942229.10), dbSNP rs768679542, ClinGen allele CA3871291.

ClinVar aggregate classification (germline): Uncertain significance (1 of 4 stars; one submission).

Conditions:
Hereditary sensory and autonomic neuropathy type 6. Also called: HSAN VI; Neuropathy, hereditary sensory and autonomic, type VI. Identifiers: Orphanet 314381, MedGen C3539003, MONDO:0013839, OMIM 614653.
Epidermolysis bullosa simplex 3, localized or generalized intermediate, with BP230 deficiency (EBS3). Also called: Epidermolysis bullosa simplex due to BP230 deficiency; Epidermolysis bullosa simplex, autosomal recessive 2. Identifiers: Orphanet 412181, MedGen C3809470, MONDO:0014180, OMIM 615425.

Allele frequency attached by ClinVar (database versions not stated): TOPMed 0.00003.
gnomAD v4.1: 24 of 1,612,890 alleles (0.0015%); highest among the groups gnomAD compares: East Asian, 0.0022%; no homozygotes.

Submission:

Labcorp Genetics (formerly Invitae), Labcorp
Classification: Uncertain significance for Epidermolysis bullosa simplex 3, localized or generalized intermediate, with BP230 deficiency; Hereditary sensory and autonomic neuropathy type 6. Last evaluated: 2022-04-10. Review status: criteria provided, single submitter. Criteria: Invitae Variant Classification Sherloc (09022015). Collection method: clinical testing. Allele origin: germline.
Comment: Algorithms developed to predict the effect of missense changes on protein structure and function (SIFT, PolyPhen-2, Align-GVGD) all suggest that this variant is likely to be disruptive. This sequence change replaces arginine, which is basic and polar, with leucine, which is neutral and non-polar, at codon 447 of the DST protein (p.Arg447Leu). This variant is present in population databases (rs768679542, gnomAD 0.006%). This variant has not been reported in the literature in individuals affected with DST-related conditions. ClinVar contains an entry for this variant (Variation ID: 942229). In summary, the available evidence is currently insufficient to determine the role of this variant in disease. Therefore, it has been classified as a Variant of Uncertain Significance.